The following is an entry in ClinVar:

NM_001605.3(AARS1):c.778A>G (p.Thr260Ala)

Gene: AARS1 (alanyl-tRNA synthetase 1; minus strand). Cytogenetic location: 16q22.1.
Variant type: single nucleotide variant.
Coding change: c.778A>G on transcript NM_001605.3 (MANE Select); coding-DNA position 778, A replaced by G.
Protein change: p.Thr260Ala; replaces threonine 260 with alanine.
Molecular consequence: missense variant.
Genome position (GRCh38, 1-based): chr16:70,270,234, T>C on the plus strand (A>G on the coding strand, the complement: AARS1 is on the minus strand). VCF-style: chr16-70270234-T-C. GRCh37 (hg19) VCF-style: chr16-70304137-T-C.
Other names: short protein forms T260A.
Identifiers: ClinVar variation 665504 (VCV000665504.11), dbSNP rs1165867512, ClinGen allele CA396565259.

ClinVar aggregate classification (germline): Conflicting classifications of pathogenicity. Review status: criteria provided, conflicting classifications (1 of 4 stars). 2 submissions from 2 submitters: Pathogenic (1); Uncertain significance (1). Last evaluated 2018-12-17.

Conditions:
Charcot-Marie-Tooth disease type 2. Also called: Charcot-Marie-Tooth type 2. Identifiers: Orphanet 64746, MedGen C0270914, MONDO:0018993.
Developmental and epileptic encephalopathy, 29 (DEE29). Also called: Epileptic encephalopathy, early infantile, 29. Identifiers: Orphanet 442835, MedGen C4225361, MONDO:0014593, OMIM 616339.

Allele frequency attached by ClinVar (database versions not stated): gnomAD exomes below 0.00001.
gnomAD v4.1: 2 of 1,614,170 alleles (0.00012%); highest among the groups gnomAD compares: East Asian, 0.0022%; no homozygotes.

Submissions (2):

Labcorp Genetics (formerly Invitae), Labcorp
Classification: Uncertain significance for Charcot-Marie-Tooth disease type 2. Last evaluated: 2018-12-17. Review status: criteria provided, single submitter. Criteria: Invitae Variant Classification Sherloc (09022015). Collection method: clinical testing. Allele origin: germline.
Comment: This variant is not present in population databases (ExAC no frequency). In summary, the available evidence is currently insufficient to determine the role of this variant in disease. Therefore, it has been classified as a Variant of Uncertain Significance. Algorithms developed to predict the effect of missense changes on protein structure and function are either unavailable or do not agree on the potential impact of this missense change (SIFT: "Deleterious"; PolyPhen-2: "Possibly Damaging"; Align-GVGD: "Class C0"). This variant has not been reported in the literature in individuals with AARS-related conditions. This sequence change replaces threonine with alanine at codon 260 of the AARS protein (p.Thr260Ala). The threonine residue is highly conserved and there is a small physicochemical difference between threonine and alanine.

Simons Lab, The University of Queensland
Classification: Pathogenic for Developmental and epileptic encephalopathy, 29. Review status: criteria provided, single submitter. Criteria: ACMG Guidelines, 2015. Collection method: curation. Allele origin: germline. Inheritance: Autosomal recessive inheritance. Affected: yes.